The following is an entry in ClinVar:

ClinVar aggregate classification (germline): Pathogenic (1 of 4 stars; one submission).

Conditions:
5p partial monosomy syndrome. Also called: CAT CRY SYNDROME; CHROMOSOME 5p DELETION SYNDROME; 5p- syndrome; 5p deletion syndrome; Cri du Chat Syndrome. Identifiers: Orphanet 281, MedGen C0010314, MONDO:0007404, OMIM 123450.

Submission:

Laboratory of Cytogenetics, Molecular Genetics and Reproductive Biology, Farhat Hached University Hospital
Classification: Pathogenic for 5p partial monosomy syndrome. Last evaluated: 2025-12-12. Review status: criteria provided, single submitter. Criteria: ACMG/ClinGen CNV Guidelines, 2019. Collection method: clinical testing. Allele origin: unknown. Affected: yes.
Comment: Similar genomic alterations have been previously reported in affected individuals (PMID: 36660031). Based on phenotypic overlap and available literature evidence, the variant was classified as Pathogenic. The copy number variant was evaluated using ACMG/ClinGen CNV guidelines (PMID:31690835)

Literature cited by the submitters: PubMed 36660031.

GRCh37/hg19 5p15.33-14.3(chr5:148243-21305214)x1

Genes: ADAMTS16 (ADAM metallopeptidase with thrombospondin type 1 motif 16; plus strand), ADCY2 (adenylate cyclase 2; plus strand), AHRR (aryl hydrocarbon receptor repressor; plus strand), ANKH (ANKH inorganic pyrophosphate transport regulator; minus strand), ANKRD33B (ankyrin repeat domain 33B; plus strand) and 59 more. Cytogenetic location: 5p15.33-14.3.
Variant type: copy number loss.
Change: copy number 1 (one copy instead of two) of chr5:148,243-21,305,214 (21.16 Mb, GRCh37 coordinates, 1-based), cytogenetic band 5p15.33-14.3.
Identifiers: ClinVar variation 4850970 (VCV004850970.1).